The following is an entry in ClinVar:

NM_207122.2(EXT2):c.490A>C (p.Thr164Pro)

Gene: EXT2 (exostosin glycosyltransferase 2; plus strand). Cytogenetic location: 11p11.2.
Variant type: single nucleotide variant.
Coding change: c.490A>C on transcript NM_207122.2 (MANE Select); coding-DNA position 490, A replaced by C.
Protein change: p.Thr164Pro; replaces threonine 164 with proline.
Molecular consequence: missense variant.
Genome position (GRCh38, 1-based): chr11:44,108,202, A>C. VCF-style: chr11-44108202-A-C. GRCh37 (hg19) VCF-style: chr11-44129752-A-C.
Other names: c.589A>C, p.Thr197Pro (NM_000401.3); c.490A>C, p.Thr164Pro (NM_001178083.3, NM_001389628.1, NM_001389630.1); short protein forms T164P, T197P.
Identifiers: ClinVar variation 4748668 (VCV004748668.2).

ClinVar aggregate classification (germline): Uncertain significance. Review status: criteria provided, multiple submitters, no conflicts (2 of 4 stars). 2 submissions from 2 submitters: Uncertain significance (2). Last evaluated 2025-12-16.

Conditions:
Exostoses, multiple, type 2 (EXT2). Also called: Hereditary Multiple Osteochondromatosis, Type II; EXOSTOSES, MULTIPLE, TYPE II. Identifiers: Orphanet 321, MedGen C1851413, MONDO:0007586, OMIM 133701.
Inborn genetic diseases. Identifiers: MedGen C0950123, MeSH D030342.

gnomAD v4.1: 1 of 1,613,788 alleles (0.000062%); highest among the groups gnomAD compares: African/African-American, 0.0013%; no homozygotes.

Submissions (2):

Ambry Genetics
Classification: Uncertain significance for Inborn genetic diseases. Last evaluated: 2025-12-16. Review status: criteria provided, single submitter. Criteria: Ambry Variant Classification Scheme 2023. Collection method: clinical testing. Allele origin: germline.
Comment: The c.490A>C (p.T164P) alteration is located in exon 2 (coding exon 1) of the EXT2 gene. This alteration results from a A to C substitution at nucleotide position 490, causing the threonine (T) at amino acid position 164 to be replaced by a proline (P). Based on data from gnomAD, the C allele has an overall frequency of <0.001% (1/250660) total alleles studied. The highest observed frequency was 0.006% (1/16254) of African alleles. Based on insufficient or conflicting evidence, the clinical significance of this alteration remains unclear.

Labcorp Genetics (formerly Invitae), Labcorp
Classification: Uncertain significance for Exostoses, multiple, type 2. Last evaluated: 2025-08-29. Review status: criteria provided, single submitter. Criteria: Invitae Variant Classification Sherloc (09022015). Collection method: clinical testing. Allele origin: germline.
Comment: This sequence change replaces threonine, which is neutral and polar, with proline, which is neutral and non-polar, at codon 164 of the EXT2 protein (p.Thr164Pro). This variant is not present in population databases (gnomAD no frequency). This variant has not been reported in the literature in individuals affected with EXT2-related conditions. Invitae Evidence Modeling of protein sequence and biophysical properties (such as structural, functional, and spatial information, amino acid conservation, physicochemical variation, residue mobility, and thermodynamic stability) indicates that this missense variant is not expected to disrupt EXT2 protein function with a negative predictive value of 95%. In summary, the available evidence is currently insufficient to determine the role of this variant in disease. Therefore, it has been classified as a Variant of Uncertain Significance.